The following is an entry in ClinVar:

ClinVar aggregate classification (germline): Uncertain significance (1 of 4 stars; one submission).

Conditions:
LRRC45-related disorder. Also called: LRRC45-related condition.

gnomAD v4.1: 1 of 1,550,652 alleles (0.000064%); highest among the groups gnomAD compares: Non-Finnish European, 0.000087%; no homozygotes.

Submission:

PreventionGenetics, part of Exact Sciences
Classification: Uncertain significance for LRRC45-related condition. Last evaluated: 2025-07-10. Review status: criteria provided, single submitter. Criteria: ACMG Guidelines, 2015. Collection method: clinical testing. Allele origin: germline.
Comment: The LRRC45 c.73C>T variant is predicted to result in premature protein termination (p.Gln25*). To our knowledge, this variant has not been reported in the literature or in a large population database (gnomAD), indicating this variant is rare. At this time, the clinical significance of this variant is uncertain due to the absence of conclusive functional and genetic evidence.

NM_144999.4(LRRC45):c.73C>T (p.Gln25Ter)

Gene: LRRC45 (leucine rich repeat containing 45; plus strand). Cytogenetic location: 17q25.3.
Variant type: single nucleotide variant.
Coding change: c.73C>T on transcript NM_144999.4 (MANE Select); coding-DNA position 73, C replaced by T.
Protein change: p.Gln25Ter; replaces glutamine 25 with a stop codon.
Molecular consequence: nonsense.
Genome position (GRCh38, 1-based): chr17:82,023,716, C>T. VCF-style: chr17-82023716-C-T. GRCh37 (hg19) VCF-style: chr17-79981592-C-T.
Other names: short protein forms Q25*.
Identifiers: ClinVar variation 4997900 (VCV004997900.1).